The following is an entry in ClinVar:

ClinVar aggregate classification (germline): Likely benign. Review status: reviewed by expert panel (3 of 4 stars). 14 submissions from 14 submitters: Likely benign (1). 13 of the submissions do not count toward it. Last evaluated 2017-06-29.

Conditions:
Hereditary cancer-predisposing syndrome. Also called: Hereditary neoplastic syndrome; Tumor predisposition; Neoplastic Syndromes, Hereditary; Hereditary Cancer Syndrome. Identifiers: Orphanet 140162, MedGen C0027672, MeSH D009386, MONDO:0015356.
Hereditary breast ovarian cancer syndrome. Also called: Breast and ovarian cancer; Hereditary breast and/or ovarian cancer syndrome; BRCA1- and BRCA2-Associated Hereditary Breast and Ovarian Cancer; Hereditary breast and ovarian cancer; Hereditary breast and ovarian cancer syndrome; Hereditary breast and ovarian cancer syndrome (HBOC). Identifiers: Orphanet 145, MedGen C0677776, MeSH D061325, MONDO:0003582. Disease mechanism: loss of function.
Breast-ovarian cancer, familial, susceptibility to, 1 (BROVCA1). Also called: BRCA1 Hereditary Breast and Ovarian Cancer; OVARIAN CANCER, SUSCEPTIBILITY TO. Identifiers: Orphanet 145, MedGen C2676676, MONDO:0011450, OMIM 604370. Disease mechanism: loss of function.

Allele frequency attached by ClinVar (database versions not stated): gnomAD 0.00005 and 0.00006; ExAC 0.00006; TOPMed 0.00008; gnomAD exomes 0.00009.
gnomAD v4.1: 55 of 1,613,812 alleles (0.0034%); highest among the groups gnomAD compares: Middle Eastern, 0.049%; 1 homozygote.

Submissions (14):

Evidence-based Network for the Interpretation of Germline Mutant Alleles (ENIGMA)
Classification: Likely benign for Breast-ovarian cancer, familial, susceptibility to, 1. Last evaluated: 2017-06-29. Review status: reviewed by expert panel. Criteria: ENIGMA BRCA1/2 Classification Criteria (2017-06-29). Collection method: curation. Allele origin: germline.
Comment: Synonymous substitution variant, with low bioinformatic likelihood to result in a splicing aberration (Splicing prior probability 0.02).

CeGaT Center for Human Genetics Tuebingen
Classification: Likely benign. Last evaluated: 2026-09-01. Review status: criteria provided, single submitter. Criteria: CeGaT Center For Human Genetics Tuebingen Variant Classification Criteria Version 2. Collection method: clinical testing. Allele origin: germline. Affected: yes. Observed: 6 variant alleles. Not counted in ClinVar's aggregate classification.
Comment: BRCA1: BP4, BP7

Labcorp Genetics (formerly Invitae), Labcorp
Classification: Likely benign for Hereditary breast ovarian cancer syndrome. Last evaluated: 2026-01-11. Review status: criteria provided, single submitter. Criteria: Invitae Variant Classification Sherloc (09022015). Collection method: clinical testing. Allele origin: germline. Not counted in ClinVar's aggregate classification.

Hereditary Cancer Laboratory, Hospital Universitario 12 de Octubre
Classification: Likely benign for Hereditary cancer-predisposing syndrome. Last evaluated: 2024-10-15. Review status: criteria provided, single submitter. Criteria: ACMG Guidelines, 2015. Collection method: clinical testing. Allele origin: germline. Not counted in ClinVar's aggregate classification.
Comment: PM2+BP4+BP6+BP7

Blueprint Genetics
Classification: Likely benign. Last evaluated: 2024-09-02. Review status: criteria provided, single submitter. Criteria: ACMG Guidelines, 2015. Collection method: clinical testing. Allele origin: germline. Not counted in ClinVar's aggregate classification.

All of Us Research Program, National Institutes of Health
Classification: Likely benign for Breast-ovarian cancer, familial, susceptibility to, 1. Last evaluated: 2023-12-18. Review status: criteria provided, single submitter. Criteria: ACMG Guidelines, 2015. Collection method: clinical testing. Allele origin: germline. Inheritance: Autosomal dominant inheritance. Observed: 18 variant alleles, 18 heterozygotes. Not counted in ClinVar's aggregate classification.
Comment: This study involves interpretation of variants in research participants for the purpose of population health screening. Participant phenotype was not available at the time of variant classification. Additional details can be found in publication PMID: 35346344, PMCID: PMC8962531

Quest Diagnostics Nichols Institute San Juan Capistrano
Classification: Benign. Last evaluated: 2022-12-21. Review status: criteria provided, single submitter. Criteria: Quest Diagnostics criteria. Collection method: clinical testing. Allele origin: unknown. Not counted in ClinVar's aggregate classification.

Sema4
Classification: Likely benign for Hereditary cancer-predisposing syndrome. Last evaluated: 2021-04-06. Review status: criteria provided, single submitter. Criteria: Sema4 Curation Guidelines. Collection method: curation. Allele origin: germline. Not counted in ClinVar's aggregate classification.

Women's Health and Genetics/Laboratory Corporation of America, LabCorp
Classification: Likely benign. Last evaluated: 2018-05-31. Review status: criteria provided, single submitter. Criteria: LabCorp Variant Classification Summary - May 2015. Collection method: clinical testing. Allele origin: germline. Not counted in ClinVar's aggregate classification.
Comment: Variant summary: BRCA1 c.2634A>G alters a non-conserved nucleotide resulting in a synonymous change. 5/5 computational tools predict no significant impact on normal splicing. However, these predictions have yet to be confirmed by functional studies. The variant allele was found at a frequency of 8.9e-05 in 245860 control chromosomes. This frequency is not higher than expected for a pathogenic variant in BRCA1 causing Hereditary Breast and Ovarian Cancer (8.9e-05 vs 0.001), allowing no conclusion about variant significance. c.2634A>G has been reported in the literature in individuals affected with Hereditary Breast and Ovarian Cancer. However, these reports do not provide unequivocal conclusions about association of the variant with Hereditary Breast and Ovarian Cancer. One publication reports experimental evidence evaluating an impact on protein function, but does not provide convincing conclusions about the variant effect. Five clinical diagnostic laboratories have submitted clinical-significance assessments for this variant to ClinVar after 2014 and all laboratories classified the variant as likely benign. Based on the evidence outlined above, the variant was classified as likely benign.

PreventionGenetics, part of Exact Sciences
Classification: Likely benign. Last evaluated: 2017-03-22. Review status: criteria provided, single submitter. Criteria: ACMG Guidelines, 2015. Collection method: clinical testing. Allele origin: germline. Not counted in ClinVar's aggregate classification.

Color Diagnostics, LLC DBA Color Health
Classification: Likely benign for Hereditary cancer-predisposing syndrome. Last evaluated: 2016-12-13. Review status: criteria provided, single submitter. Criteria: ACMG Guidelines, 2015. Collection method: clinical testing. Allele origin: germline. Not counted in ClinVar's aggregate classification.

GeneDx
Classification: Benign. Last evaluated: 2014-08-15. Review status: criteria provided, single submitter. Criteria: GeneDx Variant Classification (06012015). Collection method: clinical testing. Allele origin: germline. Affected: yes. Not counted in ClinVar's aggregate classification.
Comment: This variant is considered likely benign or benign based on one or more of the following criteria: it is a conservative change, it occurs at a poorly conserved position in the protein, it is predicted to be benign by multiple in silico algorithms, and/or has population frequency not consistent with disease.

Ambry Genetics
Classification: Likely benign for Hereditary cancer-predisposing syndrome. Last evaluated: 2014-06-13. Review status: criteria provided, single submitter. Criteria: Ambry Variant Classification Scheme 2023. Collection method: clinical testing. Allele origin: germline. Not counted in ClinVar's aggregate classification.

Department of Pathology and Laboratory Medicine, Sinai Health System
Classification: Likely benign. Review status: no assertion criteria provided. Collection method: clinical testing. Allele origin: unknown. Affected: yes. Study: The Canadian Open Genetics Repository (COGR). Not counted in ClinVar's aggregate classification.
Comment: The BRCA1 p.Ala878= variant was not identified in the literature nor was it identified in the Cosmic, MutDB, BIC Database, ARUP Laboratories, or Zhejiang Colon Cancer Database. The variant was identified in dbSNP (ID: rs730881451) as â€šÃ„ÃºWith other alleleâ€šÃ„Ã¹, ClinVar (as likely benign reviewed by expert panel), Clinvitae, GeneInsight-COGR (as likely benign by COGR consensus), LOVD 3.0 (4x), and UMD-LSDB (5x as UV) databases. The variant was identified in control databases in 22 of 245860 chromosomes at a frequency of 0.000089 increasing the likelihood this could be a low frequency benign variant (Genome Aggregation Database Feb 27, 2017). Breakdown of the observations by population include Latino in 13 of 33568 chromosomes (freq: 0.000387), South Asian in 5 of 30774 chromosomes (freq: 0.000163), Ashkenazi Jewish in 1 of 9848 chromosomes (freq: 0.000102), and European (Non-Finnish) in 3 of 111526 chromosomes (freq: 0.000027), while the variant was not observed in the African, East Asian, European (Finnish), and Other populations. The p.Ala878= variant is not expected to have clinical significance because it does not result in a change of amino acid and is not located in a known consensus splice site. In addition, in silico or computational prediction software programs (SpliceSiteFinder, MaxEntScan, NNSPLICE, GeneSplicer, HumanSpliceFinder) do not predict a difference in splicing. In summary, based on the above information the clinical significance of this variant cannot be determined with certainty at this time although we would lean towards a more benign role for this variant. This variant is classified as likely benign.

Literature cited by the submitters: PubMed 25136594 (cited by Quest Diagnostics Nichols Institute San Juan Capistrano); PubMed 16267036 (cited by Quest Diagnostics Nichols Institute San Juan Capistrano and Women's Health and Genetics/Laboratory Corporation of America, LabCorp); PubMed 21918853 (cited by Quest Diagnostics Nichols Institute San Juan Capistrano and Women's Health and Genetics/Laboratory Corporation of America, LabCorp); PubMed 25415331 (cited by Quest Diagnostics Nichols Institute San Juan Capistrano and Women's Health and Genetics/Laboratory Corporation of America, LabCorp).

NM_007294.4(BRCA1):c.2634A>G (p.Ala878=)

Gene: BRCA1 (BRCA1 DNA repair associated; minus strand). Cytogenetic location: 17q21.31.
Variant type: single nucleotide variant.
Coding change: c.2634A>G on transcript NM_007294.4 (MANE Select); coding-DNA position 2634, A replaced by G.
Protein change: p.Ala878=; no amino-acid change (alanine 878 retained).
Molecular consequence: synonymous variant. On other transcripts: intron variant (137).
Genome position (GRCh38, 1-based): chr17:43,092,897, T>C on the plus strand (A>G on the coding strand, the complement: BRCA1 is on the minus strand). VCF-style: chr17-43092897-T-C. GRCh37 (hg19) VCF-style: chr17-41244914-T-C.
Other names: p.A878A:GCA>GCG; c.2493A>G, p.Ala831= (NM_001407692.1, NM_001407694.1, NM_001407695.1 and 29 more transcripts); c.2490A>G, p.Ala830= (NM_001407740.1, NM_001407741.1, NM_001407742.1 and 20 more transcripts); c.2421A>G, p.Ala807= (NM_001407853.1, NM_001407894.1, NM_001407895.1 and 9 more transcripts); c.2634A>G, p.Ala878= (NM_001407854.1, NM_001407858.1, NM_001407859.1 and 30 more transcripts); c.2631A>G, p.Ala877= (NM_001407860.1, NM_001407861.1, NM_001407587.1 and 22 more transcripts); c.2433A>G, p.Ala811= (NM_001407862.1); c.2511A>G, p.Ala837= (NM_001407863.1, NM_001407919.1, NM_001407937.1 and 19 more transcripts); and 42 more.
Identifiers: ClinVar variation 182092 (VCV000182092.49), dbSNP rs730881451, ClinGen allele CA001727.
Genomic context (GRCh38, chr17:43,092,897, plus strand): 5'-TTTTGGACTTTGTTTCTTTAAGGACCCAGAGTGGGCAGAGAATGTTGCACATTCCTCTTC[T>C]GCATTTCCTGGATTTGAAAACGGAGCAAATGACTGGCGCTTTGAAACCTTGAATGTATTC-3'
Protein context (NP_009225.1, residues 868-888): SFAPFSNPGN[Ala878=]EEECATFSAH